The following is an entry in ClinVar:

NM_139027.6(ADAMTS13):c.1584+5G>A

Gene: ADAMTS13 (ADAM metallopeptidase with thrombospondin type 1 motif 13; plus strand). Cytogenetic location: 9q34.2.
Variant type: single nucleotide variant.
Coding change: c.1584+5G>A on transcript NM_139027.6 (MANE Select); 5 bases into the intron after coding-DNA position 1584, G replaced by A.
Molecular consequence: intron variant.
Genome position (GRCh38, 1-based): chr9:133,437,902, G>A. VCF-style: chr9-133437902-G-A. GRCh37 (hg19) VCF-style: chr9-136303022-G-A.
Other names: IVS13DS, G-A, +5; c.1584+5G>A (NM_139025.5); c.1491+5G>A (NM_139026.6).
Identifiers: ClinVar variation 5810 (VCV000005810.7), dbSNP rs782235228, ClinGen allele CA200930456.

ClinVar aggregate classification (germline): Conflicting classifications of pathogenicity. Review status: criteria provided, conflicting classifications (1 of 4 stars). 4 submissions from 4 submitters: Likely pathogenic (2); Uncertain significance (1). 1 of the submissions does not count toward it. Last evaluated 2024-12-03.

Conditions:
ADAMTS13-related disorder. Also called: ADAMTS13-related condition.
Upshaw-Schulman syndrome (TTP). Also called: THROMBOTIC THROMBOCYTOPENIC PURPURA, HEREDITARY; Congenital thrombotic thrombocytopenic purpura. Identifiers: Orphanet 93583, MedGen C1268935, MONDO:0010122, OMIM 274150.

Allele frequency attached by ClinVar (database versions not stated): ExAC 0.00001; gnomAD 0.00001 and 0.00002; gnomAD exomes 0.00001; TOPMed 0.00002.
gnomAD v4.1: 23 of 1,613,272 alleles (0.0014%); highest among the groups gnomAD compares: Non-Finnish European, 0.0019%; no homozygotes.

Submissions (4):

Labcorp Genetics (formerly Invitae), Labcorp
Classification: Uncertain significance. Last evaluated: 2024-12-03. Review status: criteria provided, single submitter. Criteria: Invitae Variant Classification Sherloc (09022015). Collection method: clinical testing. Allele origin: germline.
Comment: This sequence change falls in intron 13 of the ADAMTS13 gene. It does not directly change the encoded amino acid sequence of the ADAMTS13 protein. It affects a nucleotide within the consensus splice site. This variant is present in population databases (rs782235228, gnomAD 0.003%). This variant has been observed in individual(s) with thrombotic thrombocytopenic purpura (PMID: 11586351). ClinVar contains an entry for this variant (Variation ID: 5810). Variants that disrupt the consensus splice site are a relatively common cause of aberrant splicing (PMID: 17576681, 9536098). Algorithms developed to predict the effect of sequence changes on RNA splicing suggest that this variant may disrupt the consensus splice site. In summary, the available evidence is currently insufficient to determine the role of this variant in disease. Therefore, it has been classified as a Variant of Uncertain Significance.

Fulgent Genetics
Classification: Likely pathogenic for Upshaw-Schulman syndrome. Last evaluated: 2024-05-03. Review status: criteria provided, single submitter. Criteria: ACMG Guidelines, 2015. Collection method: clinical testing. Allele origin: germline.

Blueprint Genetics
Classification: Likely pathogenic for ADAMTS13-related disorders. Last evaluated: 2022-03-04. Review status: criteria provided, single submitter. Criteria: ACMG Guidelines, 2015. Collection method: clinical testing. Allele origin: germline. Affected: yes. Observed: 1 variant allele.

OMIM
Classification: Pathogenic for THROMBOTIC THROMBOCYTOPENIC PURPURA, HEREDITARY. Last evaluated: 2001-10-04. Review status: no assertion criteria provided. Collection method: literature only. Allele origin: germline. Not counted in ClinVar's aggregate classification.

Literature cited by the submitters: PubMed 11586351 (cited by Labcorp Genetics (formerly Invitae), Labcorp and OMIM); PubMed 17576681 (cited by Labcorp Genetics (formerly Invitae), Labcorp); PubMed 9536098 (cited by Labcorp Genetics (formerly Invitae), Labcorp).